The following is an entry in ClinVar:

NM_001035.3(RYR2):c.9568C>T (p.Arg3190Ter)

Gene: RYR2 (ryanodine receptor 2; plus strand). Cytogenetic location: 1q43.
Variant type: single nucleotide variant.
Coding change: c.9568C>T on transcript NM_001035.3 (MANE Select); coding-DNA position 9568, C replaced by T.
Protein change: p.Arg3190Ter; replaces arginine 3190 with a stop codon.
Molecular consequence: nonsense.
Genome position (GRCh38, 1-based): chr1:237,705,331, C>T. VCF-style: chr1-237705331-C-T. GRCh37 (hg19) VCF-style: chr1-237868631-C-T.
Other names: short protein forms R3190*.
Identifiers: ClinVar variation 1044342 (VCV001044342.12), dbSNP rs1484075889, ClinGen allele CA345407964.
Genomic context (GRCh38, chr1:237,705,331, plus strand): 5'-TTTTTGGAAACTCATCTGGACAAACATAATATTTACTCCATCTACAATACCAAGTCTTCA[C>T]GAGAAAGAGCAGGTAACACAGAAACATGTGCAGTGCTTTGAGATATGAAGCTAAAACTTG-3'

ClinVar aggregate classification (germline): Uncertain significance. Review status: criteria provided, multiple submitters, no conflicts (2 of 4 stars). 3 submissions from 3 submitters: Uncertain significance (3). Last evaluated 2025-09-02.

Conditions:
Catecholaminergic polymorphic ventricular tachycardia 1. Also called: VENTRICULAR TACHYCARDIA, CATECHOLAMINERGIC POLYMORPHIC, 1, WITH OR WITHOUT ATRIAL DYSFUNCTION AND/OR DILATED CARDIOMYOPATHY; VENTRICULAR TACHYCARDIA, STRESS-INDUCED POLYMORPHIC 1; RYR2-Related Catecholaminergic Polymorphic Ventricular Tachycardia. Identifiers: Orphanet 3286, MedGen C1631597, MONDO:0011484, OMIM 604772.
Catecholaminergic polymorphic ventricular tachycardia (CVPT). Also called: Catecholamine-induced polymorphic ventricular tachycardia. Identifiers: Orphanet 3286, MedGen C5574922, MONDO:0017990.

gnomAD v4.1: 2 of 1,604,082 alleles (0.00012%); highest among the groups gnomAD compares: Non-Finnish European, 0.000085%; no homozygotes.

Submissions (3):

Labcorp Genetics (formerly Invitae), Labcorp
Classification: Uncertain significance for Catecholaminergic polymorphic ventricular tachycardia 1. Last evaluated: 2025-09-02. Review status: criteria provided, single submitter. Criteria: Invitae Variant Classification Sherloc (09022015). Collection method: clinical testing. Allele origin: germline.
Comment: This sequence change creates a premature translational stop signal (p.Arg3190*) in the RYR2 gene. It is expected to result in an absent or disrupted protein product. However, the current clinical and genetic evidence is not sufficient to establish whether loss-of-function variants in RYR2 cause disease. The frequency data for this variant in the population databases is considered unreliable, as metrics indicate poor data quality at this position in the gnomAD database. This premature translational stop signal has been observed in individual(s) with epileptic encephalopathy (PMID: 23934111). ClinVar contains an entry for this variant (Variation ID: 1044342). Algorithms developed to predict the effect of sequence changes on RNA splicing suggest that this variant may disrupt the consensus splice site. In summary, the available evidence is currently insufficient to determine the role of this variant in disease. Therefore, it has been classified as a Variant of Uncertain Significance.

All of Us Research Program, National Institutes of Health
Classification: Uncertain significance for Catecholaminergic polymorphic ventricular tachycardia. Last evaluated: 2023-05-16. Review status: criteria provided, single submitter. Criteria: ACMG Guidelines, 2015. Collection method: clinical testing. Allele origin: germline. Inheritance: Autosomal dominant inheritance. Observed: 1 variant allele, 1 heterozygote.
Comment: This variant changes 1 nucleotide in exon 67 of the RYR2 gene, creating a premature translation stop signal. This variant is expected to result in an absent or non-functional protein product. This variant has been reported in an individual affected with epileptic encephalopathy (PMID: 23934111). This variant has not been identified in the general population by the Genome Aggregation Database (gnomAD). Clinical relevance of loss-of-function RYR2 truncation variants in autosomal dominant cardiovascular disorders is not clearly established. The available evidence is insufficient to determine the role of this variant in disease conclusively. Therefore, this variant is classified as a Variant of Uncertain Significance.

This study involves interpretation of variants in research participants for the purpose of population health screening. Participant phenotype was not available at the time of variant classification. Additional details can be found in publication PMID: 35346344, PMCID: PMC8962531

AiLife Diagnostics
Classification: Uncertain significance. Last evaluated: 2022-02-22. Review status: criteria provided, single submitter. Criteria: ACMG Guidelines, 2015. Collection method: clinical testing. Allele origin: germline. Affected: yes. Observed: 1 variant allele.

Literature cited by the submitters: PubMed 23934111 (cited by Labcorp Genetics (formerly Invitae), Labcorp and All of Us Research Program, National Institutes of Health).